The following is an entry in ClinVar:

ClinVar aggregate classification (germline): Uncertain significance (1 of 4 stars; one submission).

Conditions:
Hereditary cancer-predisposing syndrome. Also called: Neoplastic Syndromes, Hereditary; Tumor predisposition; Hereditary Cancer Syndrome; Hereditary neoplastic syndrome. Identifiers: Orphanet 140162, MedGen C0027672, MeSH D009386, MONDO:0015356.

Submission:

Ambry Genetics
Classification: Uncertain significance for Hereditary cancer-predisposing syndrome. Last evaluated: 2022-08-29. Review status: criteria provided, single submitter. Criteria: Ambry Variant Classification Scheme 2023. Collection method: clinical testing. Allele origin: germline.
Comment: The p.F686L variant (also known as c.2058T>A), located in coding exon 18 of the MRE11A gene, results from a T to A substitution at nucleotide position 2058. The phenylalanine at codon 686 is replaced by leucine, an amino acid with highly similar properties. This amino acid position is conserved. In addition, the in silico prediction for this alteration is inconclusive. Since supporting evidence is limited at this time, the clinical significance of this alteration remains unclear.

NM_005591.4(MRE11):c.2058T>A (p.Phe686Leu)

Gene: MRE11 (MRE11 double strand break repair nuclease; minus strand). Cytogenetic location: 11q21.
Variant type: single nucleotide variant.
Coding change: c.2058T>A on transcript NM_005591.4 (MANE Select); coding-DNA position 2058, T replaced by A.
Protein change: p.Phe686Leu; replaces phenylalanine 686 with leucine.
Molecular consequence: missense variant.
Genome position (GRCh38, 1-based): chr11:94,429,923, A>T on the plus strand (T>A on the coding strand, the complement: MRE11 is on the minus strand). VCF-style: chr11-94429923-A-T. GRCh37 (hg19) VCF-style: chr11-94163089-A-T.
Other names: c.2055T>A, p.Phe685Leu (NM_001330347.2); c.1974T>A, p.Phe658Leu (NM_005590.4); short protein forms F658L, F685L, F686L.
Identifiers: ClinVar variation 1799983 (VCV001799983.2), dbSNP rs876659663, ClinGen allele CA382373455.